The following is an entry in ClinVar:

ClinVar aggregate classification (germline): Pathogenic. Review status: criteria provided, single submitter (1 of 4 stars). 2 submissions from 2 submitters: Pathogenic (1). 1 of the submissions does not count toward it. Last evaluated 2024-11-10.

Conditions:
Zellweger spectrum disorders (ZS). Also called: Zellweger Spectrum Disorder; Zellweger Spectrum; Zellweger Spectrum Disorder (ZSD); Zellweger syndrome. Identifiers: Orphanet 912, MedGen C0043459, MONDO:0019609.
Peroxisome biogenesis disorder 6A (Zellweger). Also called: Peroxisome biogenesis disorder 6A. Identifiers: Orphanet 912, MedGen C3553947, MONDO:0013936, OMIM 614870.
Peroxisome biogenesis disorder 6B (PBD6B). Identifiers: Orphanet 44, MedGen C3553948, MONDO:0013937, OMIM 614871.

Submissions (2):

Natera, Inc.
Classification: Pathogenic for Zellweger syndrome. Last evaluated: 2024-11-10. Review status: criteria provided, single submitter. Criteria: Natera Variant Classification Schema (03/2026). Collection method: clinical testing. Allele origin: germline.
Comment: The c.600+1del variant in PEX10 is a canonical splice donor site variant predicted to affect pre-mRNA splicing, which may result in an abnormal transcript and altered protein product. This variant is expected to result in nonsense mediated decay, truncation, or a dysfunctional protein product. This variant is rare in the general population with a frequency below the threshold expected for the associated phenotype(s). Another variant at this same site results in an alteration predicted to cause a similar molecular effect has been observed in individual(s) with the associated phenotype. Given the available evidence, this variant is classified as Pathogenic.

Counsyl
Classification: Likely pathogenic for Peroxisome biogenesis disorder 6A (Zellweger); Peroxisome biogenesis disorder 6B. Last evaluated: 2017-08-11. Review status: no assertion criteria provided. Collection method: clinical testing. Allele origin: unknown. Not counted in ClinVar's aggregate classification.

NM_002617.4(PEX10):c.600+1del

Gene: PEX10 (peroxisomal biogenesis factor 10; minus strand). Cytogenetic location: 1p36.32.
Variant type: Deletion.
Coding change: c.600+1del on transcript NM_002617.4 (MANE Select); the canonical splice donor site of the intron after coding-DNA position 600, one base deleted (G; older notation c.600+1delG).
Molecular consequence: splice donor variant.
Genome position (GRCh38, 1-based): chr1:2,408,451, C deleted on the plus strand (G on the coding strand, the reverse complement: PEX10 is on the minus strand). VCF-style (leftmost placement, unchanged base first): chr1-2408450-AC-A. GRCh37 (hg19) VCF-style: chr1-2339889-AC-A.
Other names: c.168+1del (NM_001374427.1, NM_001374426.1); c.600+1del (NM_001374425.1, NM_153818.2, NM_153818.1); c.600+1delG (NM_153818.1).
Identifiers: ClinVar variation 553280 (VCV000553280.3), dbSNP rs1553232077, ClinGen allele CA658820972.
Genomic context (GRCh38, chr1:2,408,450, plus strand): 5'-CAAGTCCAGTGGGGGTGACAAGGACGGCCTAAGCAGCTGTGCCCTCAGCGCCTGCTACTT[AC>A]GTACGTGATCCCCGTGAGCCTCTTGGCCAGGTGGTAGAAGACACCGTGGATGTAAAACCA-3'